The following is an entry in ClinVar:

NM_000666.3(ACY1):c.127C>T (p.Arg43Cys)

Genes: ABHD14A-ACY1 (ABHD14A-ACY1 readthrough; plus strand), ACY1 (aminoacylase 1; plus strand). Cytogenetic location: 3p21.2.
Variant type: single nucleotide variant.
Coding change: c.127C>T on transcript NM_000666.3 (MANE Select); coding-DNA position 127, C replaced by T.
Protein change: p.Arg43Cys; replaces arginine 43 with cysteine.
Molecular consequence: missense variant. On other transcripts: intron variant (1).
Genome position (GRCh38, 1-based): chr3:51,985,239, C>T. VCF-style: chr3-51985239-C-T. GRCh37 (hg19) VCF-style: chr3-52019255-C-T.
Other names: c.397C>T, p.Arg133Cys (NM_001316331.2); c.127C>T, p.Arg43Cys (NM_001198895.2, NM_001198896.2, NM_001198897.2); c.95-162C>T (NM_001198898.2); short protein forms R133C, R43C.
Identifiers: ClinVar variation 1369356 (VCV001369356.5), dbSNP rs773804575, ClinGen allele CA2428363.

ClinVar aggregate classification (germline): Uncertain significance (1 of 4 stars; one submission).

Allele frequency attached by ClinVar (database versions not stated): gnomAD 0.00003; gnomAD exomes 0.00003; ExAC 0.00004; TOPMed 0.00007.
gnomAD v4.1: 42 of 1,607,340 alleles (0.0026%); highest among the groups gnomAD compares: African/African-American, 0.008%; no homozygotes.

Submission:

Labcorp Genetics (formerly Invitae), Labcorp
Classification: Uncertain significance. Last evaluated: 2022-12-30. Review status: criteria provided, single submitter. Criteria: Invitae Variant Classification Sherloc (09022015). Collection method: clinical testing. Allele origin: germline.
Comment: In summary, the available evidence is currently insufficient to determine the role of this variant in disease. Therefore, it has been classified as a Variant of Uncertain Significance. Advanced modeling of protein sequence and biophysical properties (such as structural, functional, and spatial information, amino acid conservation, physicochemical variation, residue mobility, and thermodynamic stability) performed at Invitae indicates that this missense variant is not expected to disrupt ACY1 protein function. ClinVar contains an entry for this variant (Variation ID: 1369356). This variant has not been reported in the literature in individuals affected with ACY1-related conditions. This variant is present in population databases (rs773804575, gnomAD 0.02%). This sequence change replaces arginine, which is basic and polar, with cysteine, which is neutral and slightly polar, at codon 43 of the ACY1 protein (p.Arg43Cys).